The following is an entry in ClinVar:

NM_000404.4(GLB1):c.1356G>A (p.Gln452=)

Gene: GLB1 (galactosidase beta 1; minus strand). Cytogenetic location: 3p22.3.
Variant type: single nucleotide variant.
Coding change: c.1356G>A on transcript NM_000404.4 (MANE Select); coding-DNA position 1356, G replaced by A.
Protein change: p.Gln452=; no amino-acid change (glutamine 452 retained).
Molecular consequence: synonymous variant.
Genome position (GRCh38, 1-based): chr3:33,016,832, C>T on the plus strand (G>A on the coding strand, the complement: GLB1 is on the minus strand). VCF-style: chr3-33016832-C-T. GRCh37 (hg19) VCF-style: chr3-33058324-C-T.
Other names: c.1266G>A, p.Gln422= (NM_001079811.3); c.963G>A, p.Gln321= (NM_001135602.3); c.1500G>A, p.Gln500= (NM_001317040.2); c.1356G>A, p.Gln452= (NM_001393580.1).
Identifiers: ClinVar variation 744135 (VCV000744135.16), dbSNP rs1360438550, ClinGen allele CA432952971.

ClinVar aggregate classification (germline): Benign/Likely benign. Review status: criteria provided, multiple submitters, no conflicts (2 of 4 stars). 3 submissions from 3 submitters: Benign (1); Likely benign (2). Last evaluated 2025-07-01.

Conditions:
GM1 gangliosidosis. Identifiers: Orphanet 354, MedGen C0085131, MONDO:0018149.
Mucopolysaccharidosis, MPS-IV-B (MPS4B). Also called: Mucopolysaccharidosis type IV B; Mucopolysaccharidosis type 4B; Mucopolysaccharidosis type IVB (Morquio); MPS IVB; MORQUIO SYNDROME B; Mucopolysaccharidosis Type IVB (Morquio B Disease). Identifiers: Orphanet 309310, Orphanet 582, MedGen C0086652, MONDO:0009660, OMIM 253010.

Allele frequency attached by ClinVar (database versions not stated): gnomAD 0.00001; gnomAD exomes 0.00001 and 0.00002; TOPMed 0.00001.
gnomAD v4.1: 31 of 1,613,844 alleles (0.0019%); highest among the groups gnomAD compares: Non-Finnish European, 0.0025%; no homozygotes.

Submissions (3):

CeGaT Center for Human Genetics Tuebingen
Classification: Likely benign. Last evaluated: 2025-07-01. Review status: criteria provided, single submitter. Criteria: CeGaT Center For Human Genetics Tuebingen Variant Classification Criteria Version 2. Collection method: clinical testing. Allele origin: germline. Affected: yes. Observed: 1 variant allele.
Comment: GLB1: BP4, BP7

Labcorp Genetics (formerly Invitae), Labcorp
Classification: Likely benign for Mucopolysaccharidosis, MPS-IV-B; GM1 gangliosidosis. Last evaluated: 2024-01-29. Review status: criteria provided, single submitter. Criteria: Invitae Variant Classification Sherloc (09022015). Collection method: clinical testing. Allele origin: germline.

Blueprint Genetics
Classification: Benign. Last evaluated: 2019-11-13. Review status: criteria provided, single submitter. Criteria: ACMG Guidelines, 2015. Collection method: clinical testing. Allele origin: germline.